The following is an entry in ClinVar:

ClinVar aggregate classification (germline): Uncertain significance (1 of 4 stars; one submission).

Conditions:
Hereditary cancer-predisposing syndrome. Also called: Neoplastic Syndromes, Hereditary; Tumor predisposition; Hereditary Cancer Syndrome; Hereditary neoplastic syndrome. Identifiers: Orphanet 140162, MedGen C0027672, MeSH D009386, MONDO:0015356.

Submission:

Ambry Genetics
Classification: Uncertain significance for Hereditary cancer-predisposing syndrome. Last evaluated: 2026-05-04. Review status: criteria provided, single submitter. Criteria: Ambry Variant Classification Scheme 2023. Collection method: clinical testing. Allele origin: germline.
Comment: The p.S114R variant (also known as c.342T>A), located in coding exon 3 of the SUFU gene, results from a T to A substitution at nucleotide position 342. The serine at codon 114 is replaced by arginine, an amino acid with dissimilar properties. This amino acid position is conserved. In addition, this alteration is predicted to be deleterious by in silico analysis. Based on the available evidence, the clinical significance of this variant remains unclear.

NM_016169.4(SUFU):c.342T>A (p.Ser114Arg)

Gene: SUFU (SUFU negative regulator of hedgehog signaling; plus strand). Cytogenetic location: 10q24.32.
Variant type: single nucleotide variant.
Coding change: c.342T>A on transcript NM_016169.4 (MANE Select); coding-DNA position 342, T replaced by A.
Protein change: p.Ser114Arg; replaces serine 114 with arginine.
Molecular consequence: missense variant.
Genome position (GRCh38, 1-based): chr10:102,549,994, T>A. VCF-style: chr10-102549994-T-A. GRCh37 (hg19) VCF-style: chr10-104309751-T-A.
Other names: c.342T>A, p.Ser114Arg (NM_001178133.2); short protein forms S114R.
Identifiers: ClinVar variation 4865247 (VCV004865247.1).